The following is an entry in ClinVar:

NM_000038.6(APC):c.2265_2275del (p.Arg755fs)

Gene: APC (APC regulator of Wnt signaling pathway; plus strand). Cytogenetic location: 5q22.2.
Variant type: Deletion.
Coding change: c.2265_2275del on transcript NM_000038.6 (MANE Select); coding-DNA positions 2265 to 2275, 11 bases deleted (GAAACAAAAAG).
Protein change: p.Arg755fs; shifts the reading frame from arginine 755.
Molecular consequence: frameshift variant. On other transcripts: non-coding transcript variant (2).
Genome position (GRCh38, 1-based): chr5:112,837,859-112,837,869, GAAACAAAAAG deleted; deleting any 11 consecutive bases within chr5:112,837,857-112,837,869 gives the same sequence; the c. name uses the placement nearest the transcript's 3' end. VCF-style (leftmost placement, unchanged base first): chr5-112837856-TAGGAAACAAAA-T. GRCh37 (hg19) VCF-style: chr5-112173553-TAGGAAACAAAA-T.
Other names: c.2265_2275del, p.Arg755fs (NM_001127510.3, NM_001354895.2, NM_001407450.1); c.2211_2221del, p.Arg737fs (NM_001127511.3); c.2319_2329del, p.Arg773fs (NM_001354896.2, NM_001407447.1, NM_001407448.1 and 1 more transcripts); c.2295_2305del, p.Arg765fs (NM_001354897.2); c.2190_2200del, p.Arg730fs (NM_001354898.2); c.2181_2191del, p.Arg727fs (NM_001354899.2); c.2142_2152del, p.Arg714fs (NM_001354900.2); c.2088_2098del, p.Arg696fs (NM_001354901.2, NM_001407453.1); and 11 more; short protein forms R371fs, R472fs, R595fs, R626fs, R629fs, R654fs, R664fs, R672fs.
Identifiers: ClinVar variation 2584258 (VCV002584258.2), dbSNP rs2533408572, ClinGen allele CA2582341444.

ClinVar aggregate classification (germline): Pathogenic (1 of 4 stars; one submission).

Conditions:
Familial adenomatous polyposis 1 (FAP1). Also called: FAMILIAL ADENOMATOUS POLYPOSIS 1, ATTENUATED; POLYPOSIS, ADENOMATOUS INTESTINAL. Identifiers: MedGen C2713442, MONDO:0021056, OMIM 175100. Disease mechanism: loss of function.

Submission:

Myriad Genetics, Inc.
Classification: Pathogenic for Familial adenomatous polyposis 1. Last evaluated: 2023-05-04. Review status: criteria provided, single submitter. Criteria: Myriad Autosomal Dominant, Autosomal Recessive and X-Linked Classification Criteria (2023). Collection method: clinical testing. Allele origin: unknown.
Comment: This variant is considered pathogenic. This variant creates a frameshift predicted to result in premature protein truncation.